The following is an entry in ClinVar:

NM_001374736.1(DST):c.19345A>T (p.Lys6449Ter)

Gene: DST (dystonin; minus strand). Cytogenetic location: 6p12.1.
Variant type: single nucleotide variant.
Coding change: c.19345A>T on transcript NM_001374736.1 (MANE Select); coding-DNA position 19345, A replaced by T.
Protein change: p.Lys6449Ter; replaces lysine 6449 with a stop codon.
Molecular consequence: nonsense.
Genome position (GRCh38, 1-based): chr6:56,506,684, T>A on the plus strand (A>T on the coding strand, the complement: DST is on the minus strand). VCF-style: chr6-56506684-T-A. GRCh37 (hg19) VCF-style: chr6-56371482-T-A.
Other names: c.12988A>T, p.Lys4330Ter (NM_001144769.5); c.12574A>T, p.Lys4192Ter (NM_001144770.2); c.19345A>T, p.Lys6449Ter (NM_001374722.1); c.18385A>T, p.Lys6129Ter (NM_001374729.1); c.12127A>T, p.Lys4043Ter (NM_001374730.1); c.19372A>T, p.Lys6458Ter (NM_001374734.1); c.12454A>T, p.Lys4152Ter (NM_001386100.1, NM_183380.4); c.11476A>T, p.Lys3826Ter (NM_015548.5); short protein forms K3826*, K4330*, K4152*, K4192*, K4043*, K6129*, K6449*, K6458*.
Identifiers: ClinVar variation 559659 (VCV000559659.5), dbSNP rs1562435373, ClinGen allele CA364522600.

ClinVar aggregate classification (germline): Pathogenic/Likely pathogenic. Review status: no assertion criteria provided (0 of 4 stars). 2 submissions from 2 submitters: Pathogenic (1); Likely pathogenic (1). Last evaluated 2021-10-15.

Conditions:
Hereditary sensory and autonomic neuropathy type 6. Also called: HSAN VI; Neuropathy, hereditary sensory and autonomic, type VI. Identifiers: Orphanet 314381, MedGen C3539003, MONDO:0013839, OMIM 614653.

Submissions (2):

OMIM
Classification: Pathogenic for NEUROPATHY, HEREDITARY SENSORY AND AUTONOMIC, TYPE VI. Last evaluated: 2021-10-15. Review status: no assertion criteria provided. Collection method: literature only. Allele origin: germline.

Medical Genetics Unit, University of L'Aquila
Classification: Likely pathogenic for Hereditary sensory and autonomic neuropathy type 6. Last evaluated: 2018-08-14. Review status: no assertion criteria provided. Collection method: clinical testing. Allele origin: germline. Inheritance: Autosomal recessive inheritance. Affected: yes. Observed: 3 compound heterozygotes.
Comment: This variant (NM_001144769.2:c.12988A>T) is seen in compound heterozygosity with the other allele (c.608C>A).

Literature cited by the submitters: PubMed 30371979 (cited by OMIM).